The following is an entry in ClinVar:

NM_003705.5(SLC25A12):c.1548G>A (p.Val516=)

Gene: SLC25A12 (solute carrier family 25 member 12; minus strand). Cytogenetic location: 2q31.1.
Variant type: single nucleotide variant.
Coding change: c.1548G>A on transcript NM_003705.5 (MANE Select); coding-DNA position 1548, G replaced by A.
Protein change: p.Val516=; no amino-acid change (valine 516 retained).
Molecular consequence: synonymous variant. On other transcripts: non-coding transcript variant (1).
Genome position (GRCh38, 1-based): chr2:171,791,488, C>T on the plus strand (G>A on the coding strand, the complement: SLC25A12 is on the minus strand). VCF-style: chr2-171791488-C-T. GRCh37 (hg19) VCF-style: chr2-172647998-C-T.
Identifiers: ClinVar variation 793468 (VCV000793468.12), dbSNP rs772468981, ClinGen allele CA1966085.
Genomic context (GRCh38, chr2:171,791,488, plus strand): 5'-GTTAAAAAAAAATTTGTAGTTACCTGCCATGGCTCCAGCTGCAAGAAGATTTAAACCTCC[C>T]ACGTGTCCATTTTCATCAGCCAGAAGTAGTTTGCAATGAGCATAAACAGGAAAATAGATT-3'
Protein context (NP_003696.2, residues 506-526): KLLLADENGH[Val516=]GGLNLLAAGA

ClinVar aggregate classification (germline): Conflicting classifications of pathogenicity. Review status: criteria provided, conflicting classifications (1 of 4 stars). 2 submissions from 2 submitters: Uncertain significance (1); Likely benign (1). Last evaluated 2025-10-15.

Conditions:
Developmental and epileptic encephalopathy, 39 (DEE39). Also called: DEVELOPMENTAL AND EPILEPTIC ENCEPHALOPATHY 39 WITH LEUKODYSTROPHY. Identifiers: Orphanet 353217, MedGen C2751855, MONDO:0013056, OMIM 612949.

Allele frequency attached by ClinVar (database versions not stated): gnomAD exomes below 0.00001 and 0.00001; ExAC 0.00001; TOPMed 0.00001.
gnomAD v4.1: 6 of 1,614,020 alleles (0.00037%); highest among the groups gnomAD compares: Admixed American, 0.005%; no homozygotes.

Submissions (2):

Labcorp Genetics (formerly Invitae), Labcorp
Classification: Likely benign. Last evaluated: 2025-10-15. Review status: criteria provided, single submitter. Criteria: Invitae Variant Classification Sherloc (09022015). Collection method: clinical testing. Allele origin: germline.

Baylor Genetics
Classification: Uncertain significance for Developmental and epileptic encephalopathy, 39. Last evaluated: 2018-10-15. Review status: criteria provided, single submitter. Criteria: ACMG Guidelines, 2015. Collection method: clinical testing. Allele origin: paternal. Affected: yes.
Comment: This variant was determined to be of uncertain significance according to ACMG Guidelines, 2015 [PMID:25741868].